The following is an entry in ClinVar:

NC_000020.10:g.(?_62050952)_(62065276_?)del

Gene: KCNQ2 (potassium voltage-gated channel subfamily Q member 2; minus strand). Cytogenetic location: 20q13.33.
Variant type: Deletion.
Identifiers: ClinVar variation 2427475 (VCV002427475.4).

ClinVar aggregate classification (germline): Pathogenic (1 of 4 stars; one submission).

Conditions:
Developmental and epileptic encephalopathy. Identifiers: MedGen C5779964, MONDO:0100620.

Submission:

Labcorp Genetics (formerly Invitae), Labcorp
Classification: Pathogenic for Early-infantile DEE. Last evaluated: 2022-07-19. Review status: criteria provided, single submitter. Criteria: Invitae Variant Classification Sherloc (09022015). Collection method: clinical testing. Allele origin: germline.
Comment: For these reasons, this variant has been classified as Pathogenic. This variant has not been reported in the literature in individuals affected with KCNQ2-related conditions. This variant is a gross deletion of the genomic region encompassing exon(s) 8-12 of the KCNQ2 gene. This deletion is out-of-frame, and is expected to create a premature termination codon and result in an absent or disrupted protein product. Loss-of-function variants in KCNQ2 are known to be pathogenic (PMID: 14534157, 23692823, 27779742).

Literature cited by the submitters: PubMed 14534157; PubMed 23692823; PubMed 27779742.